The following is an entry in ClinVar:

ClinVar aggregate classification (germline): Uncertain significance. Review status: criteria provided, multiple submitters, no conflicts (2 of 4 stars). 2 submissions from 2 submitters: Uncertain significance (2). Last evaluated 2025-09-20.

Conditions:
Hereditary cancer-predisposing syndrome. Also called: Tumor predisposition; Hereditary Cancer Syndrome; Hereditary neoplastic syndrome; Neoplastic Syndromes, Hereditary. Identifiers: Orphanet 140162, MedGen C0027672, MeSH D009386, MONDO:0015356.
Microcephaly, normal intelligence and immunodeficiency (NBS). Also called: IMMUNODEFICIENCY, MICROCEPHALY, AND CHROMOSOMAL INSTABILITY; SEEMANOVA SYNDROME II; Nijmegen breakage syndrome; Microcephaly with normal intelligence immunodeficiency and lymphoreticular malignancies; Nonsyndromal microcephaly autosomal recessive with normal intelligence; Seemanova syndrome 2. Identifiers: Orphanet 647, MedGen C0398791, MONDO:0009623, OMIM 251260.

Allele frequency attached by ClinVar (database versions not stated): gnomAD exomes below 0.00001.
gnomAD v4.1: 1 of 1,613,386 alleles (0.000062%); no homozygotes.

Submissions (2):

Labcorp Genetics (formerly Invitae), Labcorp
Classification: Uncertain significance for Microcephaly, normal intelligence and immunodeficiency. Last evaluated: 2025-09-20. Review status: criteria provided, single submitter. Criteria: Invitae Variant Classification Sherloc (09022015). Collection method: clinical testing. Allele origin: germline.
Comment: This sequence change replaces leucine, which is neutral and non-polar, with phenylalanine, which is neutral and non-polar, at codon 68 of the NBN protein (p.Leu68Phe). This variant is present in population databases (rs786201800, gnomAD 0.0009%). This variant has not been reported in the literature in individuals affected with NBN-related conditions. ClinVar contains an entry for this variant (Variation ID: 184932). An algorithm developed to predict the effect of missense changes on protein structure and function (PolyPhen-2) suggests that this variant is likely to be disruptive. In summary, the available evidence is currently insufficient to determine the role of this variant in disease. Therefore, it has been classified as a Variant of Uncertain Significance.

Ambry Genetics
Classification: Uncertain significance for Hereditary cancer-predisposing syndrome. Last evaluated: 2016-08-09. Review status: criteria provided, single submitter. Criteria: Ambry Variant Classification Scheme 2023. Collection method: clinical testing. Allele origin: germline.
Comment: The p.L68F variant (also known as c.204A>T), located in coding exon 3 of the NBN gene, results from an A to T substitution at nucleotide position 204. The leucine at codon 68 is replaced by phenylalanine, an amino acid with highly similar properties. This variant was not reported in population based cohorts in the following databases: Database of Single Nucleotide Polymorphisms (dbSNP), NHLBI Exome Sequencing Project (ESP), and 1000 Genomes Project. In the ESP, this variant was not observed in 6503 samples (13006 alleles) with coverage at this position. To date, this alteration has been detected with an allele frequency of approximately 0.001% (greater than 175000 alleles tested) in our clinical cohort. This amino acid position is well conserved through primates, but not in lower available vertebrate species. In addition, this alteration is predicted to be tolerated by in silico analysis. Since supporting evidence is limited at this time, the clinical significance of this alteration remains unclear.

NM_002485.5(NBN):c.204A>T (p.Leu68Phe)

Gene: NBN (nibrin; minus strand). Cytogenetic location: 8q21.3.
Variant type: single nucleotide variant.
Coding change: c.204A>T on transcript NM_002485.5 (MANE Select); coding-DNA position 204, A replaced by T.
Protein change: p.Leu68Phe; replaces leucine 68 with phenylalanine.
Molecular consequence: missense variant. On other transcripts: 5 prime UTR variant (1).
Genome position (GRCh38, 1-based): chr8:89,981,491, T>A on the plus strand (A>T on the coding strand, the complement: NBN is on the minus strand). VCF-style: chr8-89981491-T-A. GRCh37 (hg19) VCF-style: chr8-90993719-T-A.
Other names: c.-43A>T (NM_001024688.3); short protein forms L68F.
Identifiers: ClinVar variation 184932 (VCV000184932.11), dbSNP rs786201800, ClinGen allele CA190510.